The following is an entry in ClinVar:

ClinVar aggregate classification (germline): Benign. Review status: criteria provided, single submitter (1 of 4 stars). 2 submissions from 2 submitters: Benign (1). 1 of the submissions does not count toward it. Last evaluated 2026-08-01.

Conditions:
KCNT2-related disorder. Also called: KCNT2-related condition. Identifiers: MedGen CN236796.

Allele frequency attached by ClinVar (database versions not stated): gnomAD 0.00216; ExAC 0.00224; 1000 Genomes Project 30x 0.00016; 1000 Genomes Project 0.00020; TOPMed 0.00181; ESP Exome Variant Server 0.00231.
gnomAD v4.1: 4,000 of 1,582,586 alleles (0.25%); highest among the groups gnomAD compares: Non-Finnish European, 0.31%; 15 homozygotes.

Submissions (2):

CeGaT Center for Human Genetics Tuebingen
Classification: Benign. Last evaluated: 2026-08-01. Review status: criteria provided, single submitter. Criteria: CeGaT Center For Human Genetics Tuebingen Variant Classification Criteria Version 2. Collection method: clinical testing. Allele origin: germline. Affected: yes. Observed: 35 variant alleles.
Comment: KCNT2: BS1, BS2

PreventionGenetics, part of Exact Sciences
Classification: Likely benign for KCNT2-related condition. Last evaluated: 2019-07-23. Review status: no assertion criteria provided. Collection method: clinical testing. Allele origin: germline. Not counted in ClinVar's aggregate classification.
Comment: This variant is classified as likely benign based on ACMG/AMP sequence variant interpretation guidelines (Richards et al. 2015 PMID: 25741868, with internal and published modifications).

NM_198503.5(KCNT2):c.2209G>C (p.Val737Leu)

Gene: KCNT2 (potassium sodium-activated channel subfamily T member 2; minus strand). Cytogenetic location: 1q31.3.
Variant type: single nucleotide variant.
Coding change: c.2209G>C on transcript NM_198503.5 (MANE Select); coding-DNA position 2209, G replaced by C.
Protein change: p.Val737Leu; replaces valine 737 with leucine.
Molecular consequence: missense variant. On other transcripts: non-coding transcript variant (2).
Genome position (GRCh38, 1-based): chr1:196,326,784, C>G on the plus strand (G>C on the coding strand, the complement: KCNT2 is on the minus strand). VCF-style: chr1-196326784-C-G. GRCh37 (hg19) VCF-style: chr1-196295914-C-G.
Other names: c.2209G>C, p.Val737Leu (NM_001287819.3); c.2059G>C, p.Val687Leu (NM_001287820.3); c.2209G>C (NM_198503.3); short protein forms V687L, V737L.
Identifiers: ClinVar variation 2570746 (VCV002570746.28), dbSNP rs41304558, ClinGen allele CA1304254.